The following is an entry in ClinVar:

NM_206933.4(USH2A):c.13393A>T (p.Lys4465Ter)

Gene: USH2A (usherin; minus strand). Cytogenetic location: 1q41.
Variant type: single nucleotide variant.
Coding change: c.13393A>T on transcript NM_206933.4 (MANE Select); coding-DNA position 13393, A replaced by T.
Protein change: p.Lys4465Ter; replaces lysine 4465 with a stop codon.
Molecular consequence: nonsense.
Genome position (GRCh38, 1-based): chr1:215,674,518, T>A on the plus strand (A>T on the coding strand, the complement: USH2A is on the minus strand). VCF-style: chr1-215674518-T-A. GRCh37 (hg19) VCF-style: chr1-215847860-T-A.
Other names: short protein forms K4465*.
Identifiers: ClinVar variation 1074544 (VCV001074544.8), dbSNP rs2102665314, ClinGen allele CA344845414.

ClinVar aggregate classification (germline): Pathogenic/Likely pathogenic. Review status: criteria provided, multiple submitters, no conflicts (2 of 4 stars). 2 submissions from 2 submitters: Pathogenic (1); Likely pathogenic (1). Last evaluated 2024-08-12.

Conditions:
USH2A-related disorder. Also called: USH2A-related disorders; USH2A-related condition. Identifiers: MedGen CN239332.

gnomAD v4.1: 2 of 1,614,178 alleles (0.00012%); highest among the groups gnomAD compares: Non-Finnish European, 0.00017%; no homozygotes.

Submissions (2):

Labcorp Genetics (formerly Invitae), Labcorp
Classification: Pathogenic. Last evaluated: 2024-08-12. Review status: criteria provided, single submitter. Criteria: Invitae Variant Classification Sherloc (09022015). Collection method: clinical testing. Allele origin: germline.
Comment: This sequence change creates a premature translational stop signal (p.Lys4465*) in the USH2A gene. It is expected to result in an absent or disrupted protein product. Loss-of-function variants in USH2A are known to be pathogenic (PMID: 10729113, 10909849, 20507924, 25649381). This variant is not present in population databases (gnomAD no frequency). This variant has not been reported in the literature in individuals affected with USH2A-related conditions. ClinVar contains an entry for this variant (Variation ID: 1074544). For these reasons, this variant has been classified as Pathogenic.

Blueprint Genetics
Classification: Likely pathogenic for USH2A-related disorders. Last evaluated: 2019-12-18. Review status: criteria provided, single submitter. Criteria: ACMG Guidelines, 2015. Collection method: clinical testing. Allele origin: germline. Affected: yes. Observed: 2 variant alleles.

Literature cited by the submitters: PubMed 10729113 (cited by Labcorp Genetics (formerly Invitae), Labcorp); PubMed 10909849 (cited by Labcorp Genetics (formerly Invitae), Labcorp); PubMed 20507924 (cited by Labcorp Genetics (formerly Invitae), Labcorp); PubMed 25649381 (cited by Labcorp Genetics (formerly Invitae), Labcorp).